The following is an entry in ClinVar:

ClinVar aggregate classification (germline): Benign. Review status: criteria provided, multiple submitters, no conflicts (2 of 4 stars). 2 submissions from 2 submitters: Benign (2). Last evaluated 2018-01-12.

Conditions:
Desmosterolosis. Identifiers: Orphanet 35107, MedGen C1865596, MONDO:0011217, OMIM 602398.

Allele frequency attached by ClinVar (database versions not stated): gnomAD exomes 0.26178; gnomAD 0.39999 and 0.39424; 1000 Genomes Project 30x 0.43988; TOPMed 0.42622; 1000 Genomes Project 0.43590.
gnomAD v4.1: 59,923 of 152,478 alleles (39%); highest among the groups gnomAD compares: East Asian, 59%; 13,188 homozygotes.

Submissions (2):

Illumina Laboratory Services, Illumina
Classification: Benign for Desmosterolosis. Last evaluated: 2018-01-12. Review status: criteria provided, single submitter. Criteria: ICSL Variant Classification Criteria 13 December 2019. Collection method: clinical testing. Allele origin: germline.
Comment: This variant was observed in the ICSL laboratory as part of a predisposition screen in an ostensibly healthy population. It had not been previously curated by ICSL or reported in the Human Gene Mutation Database (HGMD: prior to June 1st, 2018), and was therefore a candidate for classification through an automated scoring system. Utilizing variant allele frequency, disease prevalence and penetrance estimates, and inheritance mode, an automated score was calculated to assess if this variant is too frequent to cause the disease. Based on the score and internal cut-off values, a variant classified as benign is not then subjected to further curation. The score for this variant resulted in a classification of benign for this disease.

Breakthrough Genomics
Classification: Benign. Review status: criteria provided, single submitter. Criteria: ACMG Guidelines, 2015. Collection method: not provided. Allele origin: germline. Inheritance: Autosomal recessive inheritance. Affected: yes.

NM_014762.4(DHCR24):c.*2295G>C

Gene: DHCR24 (24-dehydrocholesterol reductase; minus strand). Cytogenetic location: 1p32.3.
Variant type: single nucleotide variant.
Coding change: c.*2295G>C on transcript NM_014762.4 (MANE Select); 2295 bases downstream of the stop codon, G replaced by C.
Molecular consequence: 3 prime UTR variant.
Genome position (GRCh38, 1-based): chr1:54,849,938, C>G on the plus strand (G>C on the coding strand, the complement: DHCR24 is on the minus strand). VCF-style: chr1-54849938-C-G. GRCh37 (hg19) VCF-style: chr1-55315611-C-G.
Identifiers: ClinVar variation 297617 (VCV000297617.6), dbSNP rs7373, ClinGen allele CA10611243.
Genomic context (GRCh38, chr1:54,849,938, plus strand): 5'-ATTCTGATTCTAAAGAAAACCTTCATGCAGCCAAGAAACTCAGGGCTCTGGAGGGGAGAG[C>G]CTTACTCTGATACTTTCCACATGCACTGCCCACTGGCATCAAGTTTAACTCCATCCAAAA-3'